The following is an entry in ClinVar:

ClinVar aggregate classification (germline): Uncertain significance (1 of 4 stars; one submission).

Conditions:
Polycystic kidney disease, adult type (PKD1). Also called: POLYCYSTIC KIDNEY DISEASE 1 WITH OR WITHOUT POLYCYSTIC LIVER DISEASE; POLYCYSTIC KIDNEY DISEASE, ADULT, TYPE I; Polycystic Kidney, Autosomal Dominant; Polycystic Kidney Disease 1, Autosomal Dominant; Polycystic kidney disease 1; Polycystic kidney disease 1, severe. Identifiers: MedGen C3149841, MONDO:0008263, OMIM 173900.

gnomAD v4.1: 25 of 1,605,954 alleles (0.0016%); highest among the groups gnomAD compares: Non-Finnish European, 0.0021%; no homozygotes.

Submission:

ARUP Laboratories, Molecular Genetics and Genomics, ARUP Laboratories
Classification: Uncertain significance for Polycystic kidney disease, adult type. Last evaluated: 2019-05-19. Review status: criteria provided, single submitter. Criteria: ARUP Molecular Germline Variant Investigation Process. Collection method: clinical testing. Allele origin: germline.
Comment: The PKD1 c.7712C>T; p.Ala2571Val variant (rs756838066), to our knowledge, is not reported in the medical literature but is listed in the Mayo ADPKD database (see link). This variant is found on a single chromosome (1/239256 alleles) in the Genome Aggregation Database, indicating it is not a common polymorphism. The alanine at codon 2571 is weakly conserved and computational analyses (SIFT, PolyPhen-2) predict that this variant is tolerated. However, due to limited information, the clinical significance of the p.Ala2571Val variant is uncertain at this time. References: Mayo ADPKD database

NM_001009944.3(PKD1):c.7712C>T (p.Ala2571Val)

Gene: PKD1 (polycystin 1, transient receptor potential channel interacting; minus strand). Cytogenetic location: 16p13.3.
Variant type: single nucleotide variant.
Coding change: c.7712C>T on transcript NM_001009944.3 (MANE Select); coding-DNA position 7712, C replaced by T.
Protein change: p.Ala2571Val; replaces alanine 2571 with valine.
Molecular consequence: missense variant.
Genome position (GRCh38, 1-based): chr16:2,106,016, G>A on the plus strand (C>T on the coding strand, the complement: PKD1 is on the minus strand). VCF-style: chr16-2106016-G-A. GRCh37 (hg19) VCF-style: chr16-2156017-G-A.
Other names: c.7712C>T, p.Ala2571Val (NM_000296.4); short protein forms A2571V.
Identifiers: ClinVar variation 812040 (VCV000812040.8), dbSNP rs756838066, ClinGen allele CA7830943.
Genomic context (GRCh38, chr16:2,106,016, plus strand): 5'-AGCCCGTGCAGCCAGACTGTGAGCCCCGTTGCGCTGCCGTTGGGCTCTGGGAGGGTGATG[G>A]CCAAAGACCTACGAGCAGAGGGGGGTGGTGAGCAGGTGGCAGTCTCGGGGGCGCCCTCCC-3'
Protein context (NP_001009944.3, residues 2561-2581): AAVVALNRSL[Ala2571Val]ITLPEPNGSA